The following is an entry in ClinVar:

NM_000350.3(ABCA4):c.188C>T (p.Ser63Leu)

Gene: ABCA4 (ATP binding cassette subfamily A member 4; minus strand). Cytogenetic location: 1p22.1.
Variant type: single nucleotide variant.
Coding change: c.188C>T on transcript NM_000350.3 (MANE Select); coding-DNA position 188, C replaced by T.
Protein change: p.Ser63Leu; replaces serine 63 with leucine.
Molecular consequence: missense variant.
Genome position (GRCh38, 1-based): chr1:94,111,552, G>A on the plus strand (C>T on the coding strand, the complement: ABCA4 is on the minus strand). VCF-style: chr1-94111552-G-A. GRCh37 (hg19) VCF-style: chr1-94577108-G-A.
Other names: c.188C>T, p.Ser63Leu (NM_001425324.1); short protein forms S63L.
Identifiers: ClinVar variation 1522334 (VCV001522334.5), dbSNP rs2101162668, ClinGen allele CA341285586.

ClinVar aggregate classification (germline): Uncertain significance (1 of 4 stars; one submission).

Allele frequency attached by ClinVar (database versions not stated): gnomAD exomes below 0.00001.
gnomAD v4.1: 1 of 1,614,246 alleles (0.000062%); highest among the groups gnomAD compares: Non-Finnish European, 0.000085%; no homozygotes.

Submission:

Labcorp Genetics (formerly Invitae), Labcorp
Classification: Uncertain significance. Last evaluated: 2022-03-19. Review status: criteria provided, single submitter. Criteria: Invitae Variant Classification Sherloc (09022015). Collection method: clinical testing. Allele origin: germline.
Comment: This sequence change replaces serine, which is neutral and polar, with leucine, which is neutral and non-polar, at codon 63 of the ABCA4 protein (p.Ser63Leu). This variant is not present in population databases (gnomAD no frequency). This variant has not been reported in the literature in individuals affected with ABCA4-related conditions. Advanced modeling of protein sequence and biophysical properties (such as structural, functional, and spatial information, amino acid conservation, physicochemical variation, residue mobility, and thermodynamic stability) performed at Invitae indicates that this missense variant is expected to disrupt ABCA4 protein function. In summary, the available evidence is currently insufficient to determine the role of this variant in disease. Therefore, it has been classified as a Variant of Uncertain Significance.